The following is an entry in ClinVar:

NM_181507.2(HPS5):c.1623del (p.Val542fs)

Gene: HPS5 (HPS5 biogenesis of lysosomal organelles complex 2 subunit 2; minus strand). Cytogenetic location: 11p15.1.
Variant type: Deletion.
Coding change: c.1623del on transcript NM_181507.2 (MANE Select); coding-DNA position 1623, one base deleted (T; older notation c.1623delT).
Protein change: p.Val542fs; shifts the reading frame from valine 542.
Molecular consequence: frameshift variant.
Genome position (GRCh38, 1-based): chr11:18,296,010, A deleted on the plus strand (T on the coding strand, the reverse complement: HPS5 is on the minus strand). VCF-style (leftmost placement, unchanged base first): chr11-18296009-CA-C. GRCh37 (hg19) VCF-style: chr11-18317556-CA-C.
Other names: c.1281del, p.Val428fs (NM_007216.4); c.1281delT, p.Val428Serfs (NM_181508.2); short protein forms V428fs, V542fs.
Identifiers: ClinVar variation 2757461 (VCV002757461.3), dbSNP rs2494707071, ClinGen allele CA2612728953.

ClinVar aggregate classification (germline): Pathogenic (1 of 4 stars; one submission).

Allele frequency attached by ClinVar (database versions not stated): gnomAD exomes below 0.00001.

Submission:

Labcorp Genetics (formerly Invitae), Labcorp
Classification: Pathogenic. Last evaluated: 2023-09-03. Review status: criteria provided, single submitter. Criteria: Invitae Variant Classification Sherloc (09022015). Collection method: clinical testing. Allele origin: germline.
Comment: For these reasons, this variant has been classified as Pathogenic. This variant has not been reported in the literature in individuals affected with HPS5-related conditions. This variant is not present in population databases (gnomAD no frequency). This sequence change creates a premature translational stop signal (p.Val542Serfs*25) in the HPS5 gene. It is expected to result in an absent or disrupted protein product. Loss-of-function variants in HPS5 are known to be pathogenic (PMID: 12548288, 15296495, 21833017, 26785811).

Literature cited by the submitters: PubMed 12548288; PubMed 15296495; PubMed 21833017; PubMed 26785811.